The following is an entry in ClinVar:

NM_144643.4(SCLT1):c.977G>A (p.Arg326Lys)

Gene: SCLT1 (sodium channel and clathrin linker 1; minus strand). Cytogenetic location: 4q28.2.
Variant type: single nucleotide variant.
Coding change: c.977G>A on transcript NM_144643.4 (MANE Select); coding-DNA position 977, G replaced by A.
Protein change: p.Arg326Lys; replaces arginine 326 with lysine.
Molecular consequence: missense variant.
Genome position (GRCh38, 1-based): chr4:128,959,670, C>T on the plus strand (G>A on the coding strand, the complement: SCLT1 is on the minus strand). VCF-style: chr4-128959670-C-T. GRCh37 (hg19) VCF-style: chr4-129880825-C-T.
Other names: c.977G>A, p.Arg326Lys (NM_001410807.1); short protein forms R326K.
Identifiers: ClinVar variation 1918383 (VCV001918383.5), dbSNP rs1473662359, ClinGen allele CA358188728.

ClinVar aggregate classification (germline): Uncertain significance (1 of 4 stars; one submission).

Allele frequency attached by ClinVar (database versions not stated): TOPMed below 0.00001; gnomAD 0.00001.
gnomAD v4.1: 1 of 1,613,166 alleles (0.000062%); highest among the groups gnomAD compares: Non-Finnish European, 0.000085%; no homozygotes.

Submission:

Labcorp Genetics (formerly Invitae), Labcorp
Classification: Uncertain significance. Last evaluated: 2022-06-05. Review status: criteria provided, single submitter. Criteria: Invitae Variant Classification Sherloc (09022015). Collection method: clinical testing. Allele origin: germline.
Comment: This variant is not present in population databases (gnomAD no frequency). This sequence change replaces arginine, which is basic and polar, with lysine, which is basic and polar, at codon 326 of the SCLT1 protein (p.Arg326Lys). This variant has not been reported in the literature in individuals affected with SCLT1-related conditions. In summary, the available evidence is currently insufficient to determine the role of this variant in disease. Therefore, it has been classified as a Variant of Uncertain Significance. Algorithms developed to predict the effect of missense changes on protein structure and function output the following: SIFT: "Tolerated"; PolyPhen-2: "Benign"; Align-GVGD: "Class C0". The lysine amino acid residue is found in multiple mammalian species, which suggests that this missense change does not adversely affect protein function.